The following is an entry in ClinVar:

ClinVar aggregate classification (germline): Uncertain significance. Review status: criteria provided, multiple submitters, no conflicts (2 of 4 stars). 2 submissions from 2 submitters: Uncertain significance (2). Last evaluated 2025-11-09.

Conditions:
Gorlin syndrome. Also called: Nevoid Basal Cell Carcinoma Syndrome; Basal cell nevus syndrome. Identifiers: Orphanet 377, MedGen C0004779, MONDO:0007187.
Hereditary cancer-predisposing syndrome. Also called: Hereditary neoplastic syndrome; Neoplastic Syndromes, Hereditary; Hereditary Cancer Syndrome; Tumor predisposition. Identifiers: Orphanet 140162, MedGen C0027672, MeSH D009386, MONDO:0015356.

Allele frequency attached by ClinVar (database versions not stated): gnomAD exomes below 0.00001; TOPMed 0.00001.

Submissions (2):

Labcorp Genetics (formerly Invitae), Labcorp
Classification: Uncertain significance for Gorlin syndrome. Last evaluated: 2025-11-09. Review status: criteria provided, single submitter. Criteria: Invitae Variant Classification Sherloc (09022015). Collection method: clinical testing. Allele origin: germline.
Comment: This sequence change replaces histidine, which is basic and polar, with arginine, which is basic and polar, at codon 1330 of the PTCH1 protein (p.His1330Arg). This variant is not present in population databases (gnomAD no frequency). This variant has not been reported in the literature in individuals affected with PTCH1-related conditions. ClinVar contains an entry for this variant (Variation ID: 573412). Invitae Evidence Modeling of protein sequence and biophysical properties (such as structural, functional, and spatial information, amino acid conservation, physicochemical variation, residue mobility, and thermodynamic stability) indicates that this missense variant is not expected to disrupt PTCH1 protein function with a negative predictive value of 95%. In summary, the available evidence is currently insufficient to determine the role of this variant in disease. Therefore, it has been classified as a Variant of Uncertain Significance.

Ambry Genetics
Classification: Uncertain significance for Hereditary cancer-predisposing syndrome. Last evaluated: 2025-01-13. Review status: criteria provided, single submitter. Criteria: Ambry Variant Classification Scheme 2023. Collection method: clinical testing. Allele origin: germline.
Comment: The p.H1330R variant (also known as c.3989A>G), located in coding exon 23 of the PTCH1 gene, results from an A to G substitution at nucleotide position 3989. The histidine at codon 1330 is replaced by arginine, an amino acid with highly similar properties. This amino acid position is well conserved in available vertebrate species. In addition, this alteration is predicted to be tolerated by in silico analysis. Since supporting evidence is limited at this time, the clinical significance of this alteration remains unclear.

NM_000264.5(PTCH1):c.3989A>G (p.His1330Arg)

Gene: PTCH1 (patched 1; minus strand). Cytogenetic location: 9q22.32.
Variant type: single nucleotide variant.
Coding change: c.3989A>G on transcript NM_000264.5 (MANE Select); coding-DNA position 3989, A replaced by G.
Protein change: p.His1330Arg; replaces histidine 1330 with arginine.
Molecular consequence: missense variant. On other transcripts: non-coding transcript variant (1).
Genome position (GRCh38, 1-based): chr9:95,447,267, T>C on the plus strand (A>G on the coding strand, the complement: PTCH1 is on the minus strand). VCF-style: chr9-95447267-T-C. GRCh37 (hg19) VCF-style: chr9-98209549-T-C.
Other names: c.3791A>G, p.His1264Arg (NM_001083602.3); c.3986A>G, p.His1329Arg (NM_001083603.3); c.3536A>G, p.His1179Arg (NM_001083604.3, NM_001083605.3, NM_001083606.3 and 1 more transcripts); c.3833A>G, p.His1278Arg (NM_001354918.2); short protein forms H1264R, H1330R, H1278R, H1179R, H1329R.
Identifiers: ClinVar variation 573412 (VCV000573412.10), dbSNP rs1564005652, ClinGen allele CA374110525.
Genomic context (GRCh38, chr9:95,447,267, plus strand): 5'-CGAGGGTTGTGAGAACGGGCCCCGCGAGGGCCCCAGCGGGCCCTATTGCTAGGGCCAGAA[T>C]GCCCTTCAGTAGAAATTTCAAAAGCGTCTCTGCGCGGTCTGTAGGGGGGTGGCCACAAGC-3'
Protein context (NP_000255.2, residues 1320-1340): RDAFEISTEG[His1330Arg]SGPSNRARWG